The following is an entry in ClinVar:

NM_000057.4(BLM):c.1086C>T (p.Asp362=)

Gene: BLM (BLM RecQ like helicase; plus strand). Cytogenetic location: 15q26.1.
Variant type: single nucleotide variant.
Coding change: c.1086C>T on transcript NM_000057.4 (MANE Select); coding-DNA position 1086, C replaced by T.
Protein change: p.Asp362=; no amino-acid change (aspartic acid 362 retained).
Molecular consequence: synonymous variant. On other transcripts: 5 prime UTR variant (1).
Genome position (GRCh38, 1-based): chr15:90,754,937, C>T. VCF-style: chr15-90754937-C-T. GRCh37 (hg19) VCF-style: chr15-91298167-C-T.
Other names: c.1086C>T, p.Asp362= (NM_001287246.2, NM_001287247.2); c.-206C>T (NM_001287248.2); c.1086C>T (LRG_20t1).
Identifiers: ClinVar variation 236799 (VCV000236799.27), dbSNP rs375632163, ClinGen allele CA7738419.

ClinVar aggregate classification (germline): Conflicting classifications of pathogenicity. Review status: criteria provided, conflicting classifications (1 of 4 stars). 9 submissions from 9 submitters: Uncertain significance (1); Likely benign (7). 1 of the submissions does not count toward it. Last evaluated 2026-08-01.

Conditions:
Hereditary cancer-predisposing syndrome. Also called: Hereditary neoplastic syndrome; Hereditary Cancer Syndrome; Neoplastic Syndromes, Hereditary; Tumor predisposition. Identifiers: Orphanet 140162, MedGen C0027672, MeSH D009386, MONDO:0015356.
Bloom syndrome (BLM). Also called: Bloom-Torre-Machacek syndrome. Identifiers: Orphanet 125, MedGen C0005859, MONDO:0008876, OMIM 210900.

Allele frequency attached by ClinVar (database versions not stated): ESP Exome Variant Server 0.00008; gnomAD exomes 0.00008 and 0.00016; TOPMed 0.00008; gnomAD 0.00010 and 0.00011; ExAC 0.00007.
gnomAD v4.1: 241 of 1,613,530 alleles (0.015%); highest among the groups gnomAD compares: Non-Finnish European, 0.019%; no homozygotes.

Submissions (9):

CeGaT Center for Human Genetics Tuebingen
Classification: Likely benign. Last evaluated: 2026-08-01. Review status: criteria provided, single submitter. Criteria: CeGaT Center For Human Genetics Tuebingen Variant Classification Criteria Version 2. Collection method: clinical testing. Allele origin: germline. Affected: yes. Observed: 1 variant allele.
Comment: BLM: BP4, BP7

Labcorp Genetics (formerly Invitae), Labcorp
Classification: Likely benign for Bloom syndrome. Last evaluated: 2026-01-21. Review status: criteria provided, single submitter. Criteria: Invitae Variant Classification Sherloc (09022015). Collection method: clinical testing. Allele origin: germline.

Laboratory of Genetics, Children's Clinical University Hospital Latvia
Classification: Likely benign. Last evaluated: 2025-02-16. Review status: criteria provided, single submitter. Criteria: ACMG Guidelines, 2015. Collection method: clinical testing. Allele origin: germline. Affected: yes.

Blueprint Genetics
Classification: Likely benign. Last evaluated: 2024-09-30. Review status: criteria provided, single submitter. Criteria: ACMG Guidelines, 2015. Collection method: clinical testing. Allele origin: germline.

Sema4
Classification: Likely benign for Hereditary cancer-predisposing syndrome. Last evaluated: 2021-03-30. Review status: criteria provided, single submitter. Criteria: Sema4 Curation Guidelines. Collection method: curation. Allele origin: germline.

Genetic Services Laboratory, University of Chicago
Classification: Likely benign. Last evaluated: 2018-11-26. Review status: criteria provided, single submitter. Criteria: ACMG Guidelines, 2015. Collection method: clinical testing. Allele origin: germline. Affected: no.

Ambry Genetics
Classification: Likely benign for Hereditary cancer-predisposing syndrome. Last evaluated: 2017-06-22. Review status: criteria provided, single submitter. Criteria: Ambry Variant Classification Scheme 2023. Collection method: clinical testing. Allele origin: germline.

Eurofins Ntd Llc (ga)
Classification: Uncertain significance. Last evaluated: 2015-10-15. Review status: criteria provided, single submitter. Criteria: EGL Classification Definitions 2015. Collection method: clinical testing. Allele origin: germline. Observed: 2 variant alleles, 2 heterozygotes.

Natera, Inc.
Classification: Likely benign for Bloom syndrome. Last evaluated: 2020-09-16. Review status: no assertion criteria provided. Collection method: clinical testing. Allele origin: germline. Not counted in ClinVar's aggregate classification.